The following is an entry in ClinVar:

ClinVar aggregate classification (germline): Conflicting classifications of pathogenicity. Review status: criteria provided, conflicting classifications (1 of 4 stars). 2 submissions from 2 submitters: Likely pathogenic (1); Uncertain significance (1). Last evaluated 2025-03-28.

Conditions:
Inborn genetic diseases. Identifiers: MedGen C0950123, MeSH D030342.

gnomAD v4.1: 1 of 1,570,814 alleles (0.000064%); highest among the groups gnomAD compares: South Asian, 0.0012%; no homozygotes.

Submissions (2):

Ambry Genetics
Classification: Likely pathogenic for Inborn genetic diseases. Last evaluated: 2025-03-28. Review status: criteria provided, single submitter. Criteria: Ambry Variant Classification Scheme 2023. Collection method: clinical testing. Allele origin: germline.
Comment: The c.4017G>A (p.V1339V) alteration is located in exon 29 (coding exon 27) of the IFT140 gene. This alteration consists of a G to A substitution at nucleotide position 4017. This nucleotide substitution does not change the amino acid at codon 1339. This variant was not reported in population-based cohorts in the Genome Aggregation Database (gnomAD). This nucleotide position is not well conserved in available vertebrate species. RNA studies have demonstrated that this alteration results in abnormal splicing in the set of samples tested (Ambry internal data). In silico splice site analysis predicts that this alteration will result in the creation or strengthening of a novel splice donor site. Based on the available evidence, this alteration is classified as likely pathogenic.

GeneDx
Classification: Uncertain significance. Last evaluated: 2024-12-09. Review status: criteria provided, single submitter. Criteria: GeneDx Variant Classification Process June 2021. Collection method: clinical testing. Allele origin: germline. Affected: yes.
Comment: Not observed at significant frequency in large population cohorts (gnomAD); In silico analysis supports a deleterious effect on splicing; Has not been previously published as pathogenic or benign to our knowledge

NM_014714.4(IFT140):c.4017G>A (p.Val1339=)

Gene: IFT140 (intraflagellar transport 140; minus strand). Cytogenetic location: 16p13.3.
Variant type: single nucleotide variant.
Coding change: c.4017G>A on transcript NM_014714.4 (MANE Select); coding-DNA position 4017, G replaced by A.
Protein change: p.Val1339=; no amino-acid change (valine 1339 retained).
Molecular consequence: synonymous variant.
Genome position (GRCh38, 1-based): chr16:1,519,904, C>T on the plus strand (G>A on the coding strand, the complement: IFT140 is on the minus strand). VCF-style: chr16-1519904-C-T. GRCh37 (hg19) VCF-style: chr16-1569905-C-T.
Identifiers: ClinVar variation 3859616 (VCV003859616.3).